The following is an entry in ClinVar:

NM_197968.4(ZMYM2):c.268G>A (p.Glu90Lys)

Gene: ZMYM2 (zinc finger MYM-type containing 2; plus strand). Cytogenetic location: 13q12.11.
Variant type: single nucleotide variant.
Coding change: c.268G>A on transcript NM_197968.4 (MANE Select); coding-DNA position 268, G replaced by A.
Protein change: p.Glu90Lys; replaces glutamic acid 90 with lysine.
Molecular consequence: missense variant. On other transcripts: non-coding transcript variant (1).
Genome position (GRCh38, 1-based): chr13:19,993,340, G>A. VCF-style: chr13-19993340-G-A. GRCh37 (hg19) VCF-style: chr13-20567480-G-A.
Other names: c.268G>A, p.Glu90Lys (NM_001190964.4, NM_001190965.4, NM_001353157.2 and 6 more transcripts); c.334G>A, p.Glu112Lys (NM_001353161.3); short protein forms E112K, E90K.
Identifiers: ClinVar variation 4685254 (VCV004685254.1).
Genomic context (GRCh38, chr13:19,993,340, plus strand): 5'-CCACCTTCTGTACCAGTGGTAGCTGATCAAAGAACCATAACATTTACATCATCAAAAAAT[G>A]AAGAACTACAAGGAAATGATTCCAAAATTACTCCTTCCTCAAAAGAGTTGGCATCTCAGA-3'
Protein context (NP_932072.1, residues 80-100): RTITFTSSKN[Glu90Lys]ELQGNDSKIT

ClinVar aggregate classification (germline): Uncertain significance (1 of 4 stars; one submission).

gnomAD v4.1: 1 of 1,613,822 alleles (0.000062%); highest among the groups gnomAD compares: Non-Finnish European, 0.000085%; no homozygotes.

Submission:

GeneDx
Classification: Uncertain significance. Last evaluated: 2025-07-10. Review status: criteria provided, single submitter. Criteria: GeneDx Variant Classification Process June 2021. Collection method: clinical testing. Allele origin: germline. Affected: yes.
Comment: Not observed at significant frequency in large population cohorts (gnomAD); In silico analysis suggests that this missense variant does not alter protein structure/function; Has not been previously published as pathogenic or benign to our knowledge